The following is an entry in ClinVar:

NM_016507.4(CDK12):c.856C>G (p.Gln286Glu)

Genes: CDK12 (cyclin dependent kinase 12; plus strand), LOC126862553 (CDK7 strongly-dependent group 2 enhancer GRCh37_chr17:37618166-37619365; plus strand). Cytogenetic location: 17q12.
Variant type: single nucleotide variant.
Coding change: c.856C>G on transcript NM_016507.4 (MANE Select); coding-DNA position 856, C replaced by G.
Protein change: p.Gln286Glu; replaces glutamine 286 with glutamic acid.
Molecular consequence: missense variant.
Genome position (GRCh38, 1-based): chr17:39,462,927, C>G. VCF-style: chr17-39462927-C-G. GRCh37 (hg19) VCF-style: chr17-37619180-C-G.
Other names: c.856C>G, p.Gln286Glu (NM_015083.4); short protein forms Q286E.
Identifiers: ClinVar variation 4868522 (VCV004868522.1).

ClinVar aggregate classification (germline): Uncertain significance (1 of 4 stars; one submission).

Submission:

Ambry Genetics
Classification: Uncertain significance. Last evaluated: 2026-05-04. Review status: criteria provided, single submitter. Criteria: Ambry Variant Classification Scheme 2023. Collection method: clinical testing. Allele origin: germline.
Comment: The p.Q286E variant (also known as c.856C>G), located in coding exon 1 of the CDK12 gene, results from a C to G substitution at nucleotide position 856. The glutamine at codon 286 is replaced by glutamic acid, an amino acid with highly similar properties. This amino acid position is conserved. In addition, this alteration is predicted to be tolerated by in silico analysis. Based on the available evidence, the clinical significance of this variant remains unclear.